The following is an entry in ClinVar:

NM_020680.4(SCYL1):c.1749G>A (p.Lys583=)

Gene: SCYL1 (SCY1 like pseudokinase 1; plus strand). Cytogenetic location: 11q13.1.
Variant type: single nucleotide variant.
Coding change: c.1749G>A on transcript NM_020680.4 (MANE Select); coding-DNA position 1749, G replaced by A.
Protein change: p.Lys583=; no amino-acid change (lysine 583 retained).
Molecular consequence: synonymous variant. On other transcripts: intron variant (1).
Genome position (GRCh38, 1-based): chr11:65,536,683, G>A. VCF-style: chr11-65536683-G-A. GRCh37 (hg19) VCF-style: chr11-65304154-G-A.
Other names: c.1749G>A, p.Lys583= (NM_001048218.2, NM_001411022.1, NM_001425179.1 and 15 more transcripts); c.1746G>A, p.Lys582= (NM_001425180.1, NM_001425183.1); c.1671G>A, p.Lys557= (NM_001425187.1); c.1665G>A, p.Lys555= (NM_001425189.1); c.1635G>A, p.Lys545= (NM_001425191.1); c.1494G>A, p.Lys498= (NM_001425199.1); c.1485G>A, p.Lys495= (NM_001425200.1); c.1320G>A, p.Lys440= (NM_001425203.1, NM_001425204.1, NM_001425205.1 and 2 more transcripts); and 2 more.
Identifiers: ClinVar variation 4993711 (VCV004993711.1).
Genomic context (GRCh38, chr11:65,536,683, plus strand): 5'-AGGAGCCGCAGCTAGCTGGGCAGGCTGGGCCGTGACCGGGGTCTCCTCACTCACCTCCAA[G>A]CTGATCCGTTCGCACCCAACCACTGCCCCAACAGAAACCAACATTCCCCAAAGACCCACG-3'
Protein context (NP_065731.3, residues 573-593): AVTGVSSLTS[Lys583=]LIRSHPTTAP

ClinVar aggregate classification (germline): Uncertain significance (1 of 4 stars; one submission).

Conditions:
SCYL1-related disorder. Also called: SCYL1-related condition.

Submission:

PreventionGenetics, part of Exact Sciences
Classification: Uncertain significance for SCYL1-related condition. Last evaluated: 2026-07-16. Review status: criteria provided, single submitter. Criteria: ACMG Guidelines, 2015. Collection method: clinical testing. Allele origin: germline.
Comment: The SCYL1 c.1749G>A variant is not predicted to result in an amino acid change (p.=). This variant is predicted to alter splicing based on available splicing prediction programs (SpliceAI, Jaganathan et al. 2019. PubMed ID: 30661751). However, the use of computer prediction programs is not equivalent to functional evidence. To our knowledge, this variant has not been reported in the literature or in a large population database (gnomAD), indicating this variant is rare. At this time, the clinical significance of this variant is uncertain due to the absence of conclusive functional and genetic evidence.